The following is an entry in ClinVar:

NM_001367624.2(ZNF469):c.8279A>G (p.Glu2760Gly)

Gene: ZNF469 (zinc finger protein 469; plus strand). Cytogenetic location: 16q24.2.
Variant type: single nucleotide variant.
Coding change: c.8279A>G on transcript NM_001367624.2 (MANE Select); coding-DNA position 8279, A replaced by G.
Protein change: p.Glu2760Gly; replaces glutamic acid 2760 with glycine.
Molecular consequence: missense variant.
Genome position (GRCh38, 1-based): chr16:88,435,749, A>G. VCF-style: chr16-88435749-A-G. GRCh37 (hg19) VCF-style: chr16-88502157-A-G.
Other names: NM_001127464.1:c.8195A>G; short protein forms E2760G.
Identifiers: ClinVar variation 1762360 (VCV001762360.2), dbSNP rs2507599091, ClinGen allele CA397117099.

ClinVar aggregate classification (germline): Uncertain significance (1 of 4 stars; one submission).

Conditions:
Cardiovascular phenotype. Identifiers: MedGen CN230736.

Allele frequency attached by ClinVar (database versions not stated): gnomAD exomes below 0.00001.
gnomAD v4.1: 1 of 1,550,816 alleles (0.000064%); highest among the groups gnomAD compares: Non-Finnish European, 0.000087%; no homozygotes.

Submission:

Ambry Genetics
Classification: Uncertain significance for Cardiovascular phenotype. Last evaluated: 2022-07-14. Review status: criteria provided, single submitter. Criteria: Ambry Variant Classification Scheme 2023. Collection method: clinical testing. Allele origin: germline.
Comment: The p.E2732G variant (also known as c.8195A>G), located in coding exon 2 of the ZNF469 gene, results from an A to G substitution at nucleotide position 8195. The glutamic acid at codon 2732 is replaced by glycine, an amino acid with similar properties. This amino acid position is conserved. In addition, this alteration is predicted to be tolerated by in silico analysis. Since supporting evidence is limited at this time, the clinical significance of this alteration remains unclear.